The following is an entry in ClinVar:

ClinVar aggregate classification (germline): Pathogenic (1 of 4 stars; one submission).

Conditions:
Maple syrup urine disease (MSUD). Identifiers: Orphanet 511, MedGen C0024776, MeSH D008375, MONDO:0009563. Disease mechanism: loss of function.

Submission:

Labcorp Genetics (formerly Invitae), Labcorp
Classification: Pathogenic for Maple syrup urine disease. Last evaluated: 2021-05-01. Review status: criteria provided, single submitter. Criteria: Invitae Variant Classification Sherloc (09022015). Collection method: clinical testing. Allele origin: germline.
Comment: This variant is a gross deletion of the genomic region encompassing exon(s) 1-3 of the BCKDHB gene, which includes the initiator codon. The 5' end of this event is unknown as it extends beyond the assayed region for this gene and therefore may encompass additional genes. The 3' boundary is likely confined to intron 3 of the BCKDHB gene. It is expected to result in an absent or disrupted protein product. Loss-of-function variants in BCKDHB are known to be pathogenic (PMID: 16786533, 22593002). This variant has not been reported in the literature in individuals with BCKDHB-related conditions. For these reasons, this variant has been classified as Pathogenic.

Literature cited by the submitters: PubMed 16786533; PubMed 22593002.

NC_000006.11:g.(?_80816317)_(80838956_?)del

Gene: BCKDHB (branched chain keto acid dehydrogenase E1 subunit beta; plus strand). Cytogenetic location: 6q14.1.
Variant type: Deletion.
Identifiers: ClinVar variation 1459386 (VCV001459386.3).